The following is an entry in ClinVar:

ClinVar aggregate classification (germline): Likely pathogenic (1 of 4 stars; one submission).

Conditions:
Hyperlysinemia. Also called: Hyperlysinemias. Identifiers: Orphanet 2203, MedGen C0268553, MONDO:0009388, HP:0002161.

Submission:

Women's Health and Genetics/Laboratory Corporation of America, LabCorp
Classification: Likely pathogenic for Hyperlysinemia. Last evaluated: 2026-04-22. Review status: criteria provided, single submitter. Criteria: LabCorp Variant Classification Summary - May 2015. Collection method: clinical testing. Allele origin: germline.
Comment: Variant summary: AASS c.1407-1G>A is located in a canonical splice-site and is predicted to affect mRNA splicing resulting in a significantly altered protein due to either exon skipping, shortening, or inclusion of intronic material. Variants that disrupt the consensus splice site are a relatively common cause of aberrant splicing and loss of AASS function. Several computational tools predict a significant impact on normal splicing: Four predict the variant abolishes the canonical 3' acceptor site. Four predict the variant creates a cryptic 3' acceptor site. However, these predictions have yet to be confirmed by functional studies. The frequency data for this variant in gnomAD is considered unreliable, as metrics indicate poor data quality at this position. To our knowledge, no occurrence of c.1407-1G>A in individuals affected with AASS-related conditions and no experimental evidence demonstrating its impact on protein function have been reported. No submitters have cited clinical-significance assessments for this variant to ClinVar. Based on the evidence outlined above, the variant was classified as likely pathogenic.

NM_005763.4(AASS):c.1407-1G>A

Gene: AASS (aminoadipate-semialdehyde synthase; minus strand). Cytogenetic location: 7q31.32.
Variant type: single nucleotide variant.
Coding change: c.1407-1G>A on transcript NM_005763.4 (MANE Select); the canonical splice acceptor site of the intron before coding-DNA position 1407, G replaced by A.
Molecular consequence: splice acceptor variant.
Genome position (GRCh38, 1-based): chr7:122,098,867, C>T on the plus strand (G>A on the coding strand, the complement: AASS is on the minus strand). VCF-style: chr7-122098867-C-T. GRCh37 (hg19) VCF-style: chr7-121738921-C-T.
Identifiers: ClinVar variation 4849157 (VCV004849157.1).